The following is an entry in ClinVar:

ClinVar aggregate classification (germline): Likely benign (1 of 4 stars; one submission).

Conditions:
Autosomal recessive congenital ichthyosis 10 (ARCI10). Identifiers: Orphanet 79394, MedGen C3554355, MONDO:0014011, OMIM 615024.

Allele frequency attached by ClinVar (database versions not stated): gnomAD 0.00506 and 0.00534; TOPMed 0.00618; 1000 Genomes Project 0.00619; 1000 Genomes Project 30x 0.00687.

Submission:

Illumina Laboratory Services, Illumina
Classification: Likely benign for Autosomal recessive congenital ichthyosis 10. Last evaluated: 2018-01-13. Review status: criteria provided, single submitter. Criteria: ICSL Variant Classification Criteria 13 December 2019. Collection method: clinical testing. Allele origin: germline.
Comment: This variant was observed in the ICSL laboratory as part of a predisposition screen in an ostensibly healthy population. It had not been previously curated by ICSL or reported in the Human Gene Mutation Database (HGMD: prior to June 1st, 2018), and was therefore a candidate for classification through an automated scoring system. Utilizing variant allele frequency, disease prevalence and penetrance estimates, and inheritance mode, an automated score was calculated to assess if this variant is too frequent to cause the disease. Based on the score and internal cut-off values, a variant classified as likely benign is not then subjected to further curation. The score for this variant resulted in a classification of likely benign for this disease.

NM_001374623.1(PNPLA1):c.1595+430T>C

Gene: PNPLA1 (patatin like domain 1, omega-hydroxyceramide transacylase; plus strand). Cytogenetic location: 6p21.31.
Variant type: single nucleotide variant.
Coding change: c.1595+430T>C on transcript NM_001374623.1 (MANE Select); 430 bases into the intron after coding-DNA position 1595, T replaced by C.
Molecular consequence: intron variant. On other transcripts: 3 prime UTR variant (3).
Genome position (GRCh38, 1-based): chr6:36,308,142, T>C. VCF-style: chr6-36308142-T-C. GRCh37 (hg19) VCF-style: chr6-36275919-T-C.
Other names: c.*426T>C (NM_001145717.1, NM_001145716.2, NM_173676.2).
Identifiers: ClinVar variation 356580 (VCV000356580.5), dbSNP rs182222837, ClinGen allele CA10626582.